The following is an entry in ClinVar:

ClinVar aggregate classification (germline): Pathogenic/Likely pathogenic. Review status: criteria provided, multiple submitters, no conflicts (2 of 4 stars). 8 submissions from 8 submitters: Pathogenic (4); Likely pathogenic (3). 1 of the submissions does not count toward it. Last evaluated 2025-10-08.

Conditions:
TCIRG1-related disorder. Also called: TCIRG1-related condition.
Autosomal recessive osteopetrosis 1. Also called: TCIRG1-Related Autosomal Recessive Osteopetrosis; TCIRG1-Related Osteopetrosis; ALBERS-SCHONBERG DISEASE, AUTOSOMAL RECESSIVE. Identifiers: Orphanet 667, MedGen C1850127, MONDO:0009815, OMIM 259700.

Allele frequency attached by ClinVar (database versions not stated): gnomAD exomes below 0.00001 and 0.00001; TOPMed below 0.00001.
gnomAD v4.1: 1 of 1,548,364 alleles (0.000065%); highest among the groups gnomAD compares: Admixed American, 0.002%; no homozygotes.

Submissions (8):

GeneDx
Classification: Likely pathogenic. Last evaluated: 2025-10-08. Review status: criteria provided, single submitter. Criteria: GeneDx Variant Classification Process June 2021. Collection method: clinical testing. Allele origin: germline.
Comment: Reported previously in a proband with osteopetrosis who harbored a second variant of uncertain significance in trans (PMID: 40385982); Nonsense variant predicted to result in protein truncation or nonsense mediated decay in a gene for which loss of function is a known mechanism of disease; This variant is associated with the following publications: (PMID: 40385982)

3billion
Classification: Pathogenic for Autosomal recessive osteopetrosis 1. Last evaluated: 2025-02-11. Review status: criteria provided, single submitter. Criteria: ACMG Guidelines, 2015. Collection method: clinical testing. Allele origin: germline. Affected: yes.
Comment: The variant is observed at an extremely low frequency in the gnomAD v4.1.0 dataset (total allele frequency: <0.001%). Predicted Consequence/Location: Stop-gained (nonsense): predicted to result in a loss or disruption of normal protein function through nonsense-mediated decay (NMD) or protein truncation. Multiple pathogenic variants are reported downstream of the variant. The variant has been reported at least twice as pathogenic with clinical assertions and evidence for the classification (ClinVar ID: VCV000552835). Therefore, this variant is classified as Pathogenic according to the recommendation of ACMG/AMP guideline.

Fulgent Genetics
Classification: Likely pathogenic for Autosomal recessive osteopetrosis 1. Last evaluated: 2024-04-09. Review status: criteria provided, single submitter. Criteria: ACMG Guidelines, 2015. Collection method: clinical testing. Allele origin: germline.

Greenwood Genetic Center Diagnostic Laboratories, Greenwood Genetic Center
Classification: Pathogenic for Autosomal recessive osteopetrosis 1. Last evaluated: 2024-01-29. Review status: criteria provided, single submitter. Criteria: ACMG Guidelines, 2015. Collection method: clinical testing. Allele origin: germline. Affected: yes.
Comment: PVS1 PM2 PM3_Supporting, PP3

Labcorp Genetics (formerly Invitae), Labcorp
Classification: Pathogenic. Last evaluated: 2023-09-05. Review status: criteria provided, single submitter. Criteria: Invitae Variant Classification Sherloc (09022015). Collection method: clinical testing. Allele origin: germline.
Comment: This sequence change creates a premature translational stop signal (p.Gln116*) in the TCIRG1 gene. It is expected to result in an absent or disrupted protein product. Loss-of-function variants in TCIRG1 are known to be pathogenic (PMID: 10888887, 10942435, 11532986, 19448635). This variant is present in population databases (no rsID available, gnomAD 0.008%). This variant has not been reported in the literature in individuals affected with TCIRG1-related conditions. ClinVar contains an entry for this variant (Variation ID: 552835). For these reasons, this variant has been classified as Pathogenic.

PreventionGenetics, part of Exact Sciences
Classification: Likely pathogenic for TCIRG1-related condition. Last evaluated: 2023-01-23. Review status: criteria provided, single submitter. Criteria: ACMG Guidelines, 2015. Collection method: clinical testing. Allele origin: germline.
Comment: The TCIRG1 c.346C>T variant is predicted to result in premature protein termination (p.Gln116*). To our knowledge, this variant has not been reported in the literature. This variant is reported in 0.0082% of alleles in individuals of Latino descent in gnomAD. Nonsense variants in TCIRG1 are expected to be pathogenic. This variant is interpreted as likely pathogenic.

Baylor Genetics
Classification: Pathogenic for Autosomal recessive osteopetrosis 1. Last evaluated: 2022-12-28. Review status: criteria provided, single submitter. Criteria: ACMG Guidelines, 2015. Collection method: clinical testing. Allele origin: unknown.

Counsyl
Classification: Likely pathogenic for Autosomal recessive osteopetrosis 1. Last evaluated: 2017-07-11. Review status: no assertion criteria provided. Collection method: clinical testing. Allele origin: unknown. Not counted in ClinVar's aggregate classification.

Literature cited by the submitters: PubMed 10888887 (cited by Labcorp Genetics (formerly Invitae), Labcorp); PubMed 10942435 (cited by Labcorp Genetics (formerly Invitae), Labcorp); PubMed 11532986 (cited by Labcorp Genetics (formerly Invitae), Labcorp); PubMed 19448635 (cited by Labcorp Genetics (formerly Invitae), Labcorp).

NM_006019.4(TCIRG1):c.346C>T (p.Gln116Ter)

Gene: TCIRG1 (T cell immune regulator 1, ATPase H+ transporting V0 subunit a3; plus strand). Cytogenetic location: 11q13.2.
Variant type: single nucleotide variant.
Coding change: c.346C>T on transcript NM_006019.4 (MANE Select); coding-DNA position 346, C replaced by T.
Protein change: p.Gln116Ter; replaces glutamine 116 with a stop codon.
Molecular consequence: nonsense. On other transcripts: 5 prime UTR variant (1).
Genome position (GRCh38, 1-based): chr11:68,042,792, C>T. VCF-style: chr11-68042792-C-T. GRCh37 (hg19) VCF-style: chr11-67810259-C-T.
Other names: c.-904C>T (NM_001351059.2); short protein forms Q116*.
Identifiers: ClinVar variation 552835 (VCV000552835.15), dbSNP rs1338631330, ClinGen allele CA381576216.
Genomic context (GRCh38, chr11:68,042,792, plus strand): 5'-CGCATCCAGGAGGAGACGGAGCGCCTGGCCCAGGAGCTGCGGGATGTGCGGGGCAACCAG[C>T]AGGCCCTGCGGGCCCAGCTGCACCAGCTGCAGCTCCACGCCGCCGTGCTACGCCAGGGCC-3'